The following is an entry in ClinVar:

NM_000199.5(SGSH):c.781G>A (p.Gly261Ser)

Gene: SGSH (N-sulfoglucosamine sulfohydrolase; minus strand). Cytogenetic location: 17q25.3.
Variant type: single nucleotide variant.
Coding change: c.781G>A on transcript NM_000199.5 (MANE Select); coding-DNA position 781, G replaced by A.
Protein change: p.Gly261Ser; replaces glycine 261 with serine.
Molecular consequence: missense variant. On other transcripts: non-coding transcript variant (1).
Genome position (GRCh38, 1-based): chr17:80,212,239, C>T on the plus strand (G>A on the coding strand, the complement: SGSH is on the minus strand). VCF-style: chr17-80212239-C-T. GRCh37 (hg19) VCF-style: chr17-78186038-C-T.
Other names: c.781G>A, p.Gly261Ser (NM_001352921.3, NM_001352922.2); short protein forms G261S.
Identifiers: ClinVar variation 889909 (VCV000889909.11), dbSNP rs149248428, ClinGen allele CA8817778.
Genomic context (GRCh38, chr17:80,212,239, plus strand): 5'-CGCTGGGGAAGGGGATCCCGTTGTCGGACGTGAAGATCACCAGTGTGTCGTTCAGGACAC[C>T]GGCGTCACGCAGCTCCTGGAGCACCAGTCCAACTCCTGTGGTGAGGGGCCGAGAAGCAGA-3'
Protein context (NP_000190.1, residues 251-271): GLVLQELRDA[Gly261Ser]VLNDTLVIFT

ClinVar aggregate classification (germline): Uncertain significance. Review status: criteria provided, multiple submitters, no conflicts (2 of 4 stars). 5 submissions from 5 submitters: Uncertain significance (5). Last evaluated 2025-01-06.

Conditions:
Mucopolysaccharidosis, MPS-III-A (MPS3A). Also called: SANFILIPPO SYNDROME A; SULFAMIDASE DEFICIENCY; MPS III A; HEPARAN SULFATE SULFATASE DEFICIENCY; Mucopolysaccharidosis, type IIIA; MUCOPOLYSACCHARIDOSIS, TYPE IIIA, ATTENUATED. Identifiers: Orphanet 581, Orphanet 79269, MedGen C0086647, MONDO:0009655, OMIM 252900.
Inborn genetic diseases. Identifiers: MedGen C0950123, MeSH D030342.

Allele frequency attached by ClinVar (database versions not stated): gnomAD exomes 0.00002 and 0.00003; gnomAD 0.00007; ESP Exome Variant Server 0.00008; TOPMed 0.00006; ExAC below 0.00001.

Submissions (5):

Labcorp Genetics (formerly Invitae), Labcorp
Classification: Uncertain significance for Mucopolysaccharidosis, MPS-III-A. Last evaluated: 2025-01-06. Review status: criteria provided, single submitter. Criteria: Invitae Variant Classification Sherloc (09022015). Collection method: clinical testing. Allele origin: germline.
Comment: This sequence change replaces glycine, which is neutral and non-polar, with serine, which is neutral and polar, at codon 261 of the SGSH protein (p.Gly261Ser). This variant is present in population databases (rs149248428, gnomAD 0.02%). This variant has not been reported in the literature in individuals affected with SGSH-related conditions. ClinVar contains an entry for this variant (Variation ID: 889909). Invitae Evidence Modeling of protein sequence and biophysical properties (such as structural, functional, and spatial information, amino acid conservation, physicochemical variation, residue mobility, and thermodynamic stability) indicates that this missense variant is expected to disrupt SGSH protein function with a positive predictive value of 95%. In summary, the available evidence is currently insufficient to determine the role of this variant in disease. Therefore, it has been classified as a Variant of Uncertain Significance.

Department of Pathology and Laboratory Medicine, Sinai Health System
Classification: Uncertain significance for Mucopolysaccharidosis, MPS-III-A. Last evaluated: 2022-06-28. Review status: criteria provided, single submitter. Criteria: ACMG Guidelines, 2015. Collection method: research. Allele origin: germline.

Genome-Nilou Lab
Classification: Uncertain significance for Mucopolysaccharidosis, MPS-III-A. Last evaluated: 2021-11-07. Review status: criteria provided, single submitter. Criteria: ACMG Guidelines, 2015. Collection method: clinical testing. Allele origin: germline. Affected: no.

Ambry Genetics
Classification: Uncertain significance for Inborn genetic diseases. Last evaluated: 2021-09-16. Review status: criteria provided, single submitter. Criteria: Ambry Variant Classification Scheme 2023. Collection method: clinical testing. Allele origin: germline.

Illumina Laboratory Services, Illumina
Classification: Uncertain significance for Mucopolysaccharidosis, MPS-III-A. Last evaluated: 2018-01-13. Review status: criteria provided, single submitter. Criteria: ICSL Variant Classification Criteria 13 December 2019. Collection method: clinical testing. Allele origin: germline.